The following is an entry in ClinVar:

ClinVar aggregate classification (germline): Likely benign. Review status: criteria provided, multiple submitters, no conflicts (2 of 4 stars). 2 submissions from 2 submitters: Likely benign (2). Last evaluated 2018-01-13.

Conditions:
Joubert syndrome 14 (JBTS14). Identifiers: MedGen C3280766, MONDO:0013745, OMIM 614424.

Allele frequency attached by ClinVar (database versions not stated): 1000 Genomes Project 0.00339; 1000 Genomes Project 30x 0.00344; gnomAD 0.00396 and 0.00435; TOPMed 0.00423.

Submissions (2):

Illumina Laboratory Services, Illumina
Classification: Likely benign for Joubert syndrome 14. Last evaluated: 2018-01-13. Review status: criteria provided, single submitter. Criteria: ICSL Variant Classification Criteria 13 December 2019. Collection method: clinical testing. Allele origin: germline.
Comment: This variant was observed in the ICSL laboratory as part of a predisposition screen in an ostensibly healthy population. It had not been previously curated by ICSL or reported in the Human Gene Mutation Database (HGMD: prior to June 1st, 2018), and was therefore a candidate for classification through an automated scoring system. Utilizing variant allele frequency, disease prevalence and penetrance estimates, and inheritance mode, an automated score was calculated to assess if this variant is too frequent to cause the disease. Based on the score and internal cut-off values, a variant classified as likely benign is not then subjected to further curation. The score for this variant resulted in a classification of likely benign for this disease.

Breakthrough Genomics
Classification: Likely benign. Review status: criteria provided, single submitter. Criteria: ACMG Guidelines, 2015. Collection method: not provided. Allele origin: germline. Inheritance: Autosomal recessive inheritance. Affected: yes.

NM_001044385.3(TMEM237):c.*1588G>A

Gene: TMEM237 (transmembrane protein 237; minus strand). Cytogenetic location: 2q33.1.
Variant type: single nucleotide variant.
Coding change: c.*1588G>A on transcript NM_001044385.3 (MANE Select); 1588 bases downstream of the stop codon, G replaced by A.
Molecular consequence: 3 prime UTR variant.
Genome position (GRCh38, 1-based): chr2:201,622,667, C>T on the plus strand (G>A on the coding strand, the complement: TMEM237 is on the minus strand). VCF-style: chr2-201622667-C-T. GRCh37 (hg19) VCF-style: chr2-202487390-C-T.
Other names: c.*1588G>A (NM_152388.4).
Identifiers: ClinVar variation 898871 (VCV000898871.5), dbSNP rs150141936, ClinGen allele CA63949048.